The following is an entry in ClinVar:

ClinVar aggregate classification (germline): Benign/Likely benign. Review status: criteria provided, multiple submitters, no conflicts (2 of 4 stars). 11 submissions from 11 submitters: Benign (4); Likely benign (6). 1 of the submissions does not count toward it. Last evaluated 2026-01-28.

Conditions:
Tuberous sclerosis 2 (TSC2). Identifiers: Orphanet 805, MedGen C1860707, MONDO:0013199, OMIM 613254.
Isolated focal cortical dysplasia type II (FCORD2). Also called: Focal cortical dysplasia type II; CORTICAL DYSPLASIA OF TAYLOR. Identifiers: Orphanet 268994, MedGen C1846385, MONDO:0011818, OMIM 607341, HP:0032051.
Lymphangiomyomatosis (LAM). Also called: Lymphangioleiomyomatosis, somatic; Lymphangioleiomyomatosis. Identifiers: Orphanet 538, MedGen C0751674, MONDO:0011705, OMIM 606690.
TSC2-related disorder. Also called: TSC2-Related Disorders; TSC2-related condition.
Hereditary cancer-predisposing syndrome. Also called: Neoplastic Syndromes, Hereditary; Hereditary Cancer Syndrome; Tumor predisposition; Hereditary neoplastic syndrome. Identifiers: Orphanet 140162, MedGen C0027672, MeSH D009386, MONDO:0015356.
Tuberous sclerosis syndrome (TSC). Also called: Tuberous Sclerosis Complex; Tuberous sclerosis. Identifiers: Orphanet 805, MedGen C0041341, MONDO:0001734.

Allele frequency attached by ClinVar (database versions not stated): gnomAD exomes 0.00004 and 0.00025; ExAC 0.00005; TOPMed 0.00005; gnomAD 0.00006; 1000 Genomes Project 30x 0.00016; 1000 Genomes Project 0.00020; ESP Exome Variant Server 0.00023.

Submissions (11):

Labcorp Genetics (formerly Invitae), Labcorp
Classification: Benign for Tuberous sclerosis 2. Last evaluated: 2026-01-28. Review status: criteria provided, single submitter. Criteria: Invitae Variant Classification Sherloc (09022015). Collection method: clinical testing. Allele origin: germline.

Myriad Genetics, Inc.
Classification: Benign for Tuberous sclerosis 2. Last evaluated: 2025-05-30. Review status: criteria provided, single submitter. Criteria: Myriad Autosomal Dominant, Autosomal Recessive and X-Linked Classification Criteria (2023). Collection method: clinical testing. Allele origin: unknown.
Comment: This variant is considered benign. This variant is a silent/synonymous amino acid change and it is not expected to impact splicing.

Mayo Clinic Laboratories, Mayo Clinic
Classification: Likely benign. Last evaluated: 2025-02-20. Review status: criteria provided, single submitter. Criteria: ACMG Guidelines, 2015. Collection method: clinical testing. Allele origin: germline. Observed: 1 variant allele.
Comment: BP4, BP7

Blueprint Genetics
Classification: Likely benign. Last evaluated: 2024-02-21. Review status: criteria provided, single submitter. Criteria: ACMG Guidelines, 2015. Collection method: clinical testing. Allele origin: germline.

Color Diagnostics, LLC DBA Color Health
Classification: Likely benign for Tuberous sclerosis syndrome. Last evaluated: 2022-10-03. Review status: criteria provided, single submitter. Criteria: ACMG Guidelines, 2015. Collection method: clinical testing. Allele origin: germline.

Genome-Nilou Lab
Classification: Benign for Tuberous sclerosis 2. Last evaluated: 2021-11-07. Review status: criteria provided, single submitter. Criteria: ACMG Guidelines, 2015. Collection method: clinical testing. Allele origin: germline. Affected: no.

Fulgent Genetics
Classification: Likely benign for Lymphangiomyomatosis; Isolated focal cortical dysplasia type II; Tuberous sclerosis 2. Last evaluated: 2021-09-07. Review status: criteria provided, single submitter. Criteria: ACMG Guidelines, 2015. Collection method: clinical testing. Allele origin: unknown.

Sema4
Classification: Benign for Hereditary cancer-predisposing syndrome. Last evaluated: 2020-10-22. Review status: criteria provided, single submitter. Criteria: Sema4 Curation Guidelines. Collection method: curation. Allele origin: germline.

GeneDx
Classification: Likely benign. Last evaluated: 2019-01-17. Review status: criteria provided, single submitter. Criteria: GeneDx Variant Classification Process June 2021. Collection method: clinical testing. Allele origin: germline. Affected: yes.

Ambry Genetics
Classification: Likely benign for Hereditary cancer-predisposing syndrome. Last evaluated: 2015-03-30. Review status: criteria provided, single submitter. Criteria: Ambry Variant Classification Scheme 2023. Collection method: clinical testing. Allele origin: germline.

PreventionGenetics, part of Exact Sciences
Classification: Likely benign for TSC2-related condition. Last evaluated: 2022-06-16. Review status: no assertion criteria provided. Collection method: clinical testing. Allele origin: germline. Not counted in ClinVar's aggregate classification.
Comment: This variant is classified as likely benign based on ACMG/AMP sequence variant interpretation guidelines (Richards et al. 2015 PMID: 25741868, with internal and published modifications).

NM_000548.5(TSC2):c.3762G>A (p.Ser1254=)

Gene: TSC2 (TSC complex subunit 2; plus strand). Cytogenetic location: 16p13.3.
Variant type: single nucleotide variant.
Coding change: c.3762G>A on transcript NM_000548.5 (MANE Select); coding-DNA position 3762, G replaced by A.
Protein change: p.Ser1254=; no amino-acid change (serine 1254 retained).
Molecular consequence: synonymous variant.
Genome position (GRCh38, 1-based): chr16:2,081,746, G>A. VCF-style: chr16-2081746-G-A. GRCh37 (hg19) VCF-style: chr16-2131747-G-A.
Other names: p.Ser1254=; c.3630G>A, p.Ser1210= (NM_001077183.3, NM_001370404.1); c.3762G>A, p.Ser1254= (NM_001114382.3); c.3522G>A, p.Ser1174= (NM_001318827.2); c.3486G>A, p.Ser1162= (NM_001318829.2); c.3030G>A, p.Ser1010= (NM_001318831.2); c.3663G>A, p.Ser1221= (NM_001318832.2); c.3633G>A, p.Ser1211= (NM_001363528.2, NM_001370405.1, NM_021055.3); and 1 more.
Identifiers: ClinVar variation 238026 (VCV000238026.29), dbSNP rs144891432, ClinGen allele CA048338.
Genomic context (GRCh38, chr16:2,081,746, plus strand): 5'-CCTCATGGCGGCTGAGCGCTTCAAGGAGCACCGGGACACAGCCCTGTACAAGTCACTGTC[G>A]GTGCCGGCAGCCAGCACGGCCAAACCCCCTCCTCTGCCTCGCTCCAACACAGGTGAGTGG-3'
Protein context (NP_000539.2, residues 1244-1264): HRDTALYKSL[Ser1254=]VPAASTAKPP